The following is an entry in ClinVar:

ClinVar aggregate classification (germline): Pathogenic (1 of 4 stars; one submission).

Allele frequency attached by ClinVar (database versions not stated): gnomAD exomes below 0.00001.

Submission:

Labcorp Genetics (formerly Invitae), Labcorp
Classification: Pathogenic. Last evaluated: 2020-11-14. Review status: criteria provided, single submitter. Criteria: Invitae Variant Classification Sherloc (09022015). Collection method: clinical testing. Allele origin: germline.
Comment: This sequence change creates a premature translational stop signal (p.Thr424Asnfs*18) in the CPOX gene. While this is not anticipated to result in nonsense mediated decay, it is expected to disrupt the last 31 amino acid(s) of the CPOX protein. This variant is not present in population databases (ExAC no frequency). This variant has been observed in individual(s) with hereditary coproporphyria (PMID: 9298818, Invitae). This variant is also known as 968insT in the literature. This variant disrupts the C-terminus of the CPOX protein. Other variant(s) that disrupt this region (p.Arg426*, p.Trp427*) have been observed in individuals with CPOX-related conditions (PMID: 15896662, 30476629, 11309681, 11202054). This suggests that this may be a clinically significant region of the protein. For these reasons, this variant has been classified as Pathogenic.

Literature cited by the submitters: PubMed 9298818; PubMed 15896662; PubMed 30476629; PubMed 11309681; PubMed 11202054.

NM_000097.7(CPOX):c.1268dup (p.Thr424fs)

Gene: CPOX (coproporphyrinogen oxidase; minus strand). Cytogenetic location: 3q11.2.
Variant type: Duplication.
Coding change: c.1268dup on transcript NM_000097.7 (MANE Select); coding-DNA position 1268, one base duplicated (T; older notation c.1268dupT).
Protein change: p.Thr424fs; shifts the reading frame from threonine 424.
Molecular consequence: frameshift variant.
Genome position (GRCh38, 1-based): chr3:98,581,416, A duplicated on the plus strand (T on the coding strand, the reverse complement: CPOX is on the minus strand). VCF-style (leftmost placement, unchanged base first): chr3-98581415-T-TA. GRCh37 (hg19) VCF-style: chr3-98300259-T-TA.
Other names: short protein forms T424fs.
Identifiers: ClinVar variation 1457857 (VCV001457857.8), dbSNP rs2107113882, ClinGen allele CA2573137604.